The following is an entry in ClinVar:

ClinVar aggregate classification (germline): Uncertain significance. Review status: criteria provided, multiple submitters, no conflicts (2 of 4 stars). 2 submissions from 2 submitters: Uncertain significance (2). Last evaluated 2025-08-24.

Conditions:
Pancreatic adenocarcinoma. Identifiers: MedGen C0281361, MONDO:0006047, HP:0006725.

Allele frequency attached by ClinVar (database versions not stated): ExAC 0.00001; gnomAD exomes 0.00002.
gnomAD v4.1: 21 of 1,611,620 alleles (0.0013%); highest among the groups gnomAD compares: Admixed American, 0.0067%; no homozygotes.

Submissions (2):

Ambry Genetics
Classification: Uncertain significance. Last evaluated: 2025-08-24. Review status: criteria provided, single submitter. Criteria: Ambry Variant Classification Scheme 2023. Collection method: clinical testing. Allele origin: germline.

Labcorp Genetics (formerly Invitae), Labcorp
Classification: Uncertain significance for Pancreatic adenocarcinoma. Last evaluated: 2023-09-14. Review status: criteria provided, single submitter. Criteria: Invitae Variant Classification Sherloc (09022015). Collection method: clinical testing. Allele origin: germline.
Comment: This variant has not been reported in the literature in individuals affected with PALLD-related conditions. This sequence change replaces threonine, which is neutral and polar, with isoleucine, which is neutral and non-polar, at codon 496 of the PALLD protein (p.Thr496Ile). This variant is present in population databases (rs201412478, gnomAD 0.01%). ClinVar contains an entry for this variant (Variation ID: 1046734). An algorithm developed to predict the effect of missense changes on protein structure and function (PolyPhen-2) suggests that this variant is likely to be tolerated. In summary, the available evidence is currently insufficient to determine the role of this variant in disease. Therefore, it has been classified as a Variant of Uncertain Significance.

NM_001166108.2(PALLD):c.2999C>T (p.Thr1000Ile)

Genes: CBR4 (carbonyl reductase 4; minus strand), PALLD (palladin, cytoskeletal associated protein; plus strand). Cytogenetic location: 4q32.3.
Variant type: single nucleotide variant.
Coding change: c.2999C>T on transcript NM_001166108.2 (MANE Select); coding-DNA position 2999, C replaced by T.
Protein change: p.Thr1000Ile; replaces threonine 1000 with isoleucine.
Molecular consequence: missense variant.
Genome position (GRCh38, 1-based): chr4:168,921,682, C>T. VCF-style: chr4-168921682-C-T. GRCh37 (hg19) VCF-style: chr4-169842833-C-T.
Other names: c.1487C>T (NM_001166110.1); c.1802C>T, p.Thr601Ile (NM_001166109.2); c.1487C>T, p.Thr496Ile (NM_001166110.2); c.827C>T, p.Thr276Ile (NM_001367567.1, NM_001367569.1); c.878C>T, p.Thr293Ile (NM_001367568.1, NM_001367570.1); c.2948C>T, p.Thr983Ile (NM_016081.4); short protein forms T293I, T496I, T601I, T983I, T1000I, T276I.
Identifiers: ClinVar variation 1046734 (VCV001046734.10), dbSNP rs201412478, ClinGen allele CA3136011.